The following is an entry in ClinVar:

NM_015450.3(POT1):c.265_273delinsAATCTT (p.Tyr89_Lys91delinsAsnLeu)

Gene: POT1 (protection of telomeres 1; minus strand). Cytogenetic location: 7q31.33.
Variant type: Indel.
Coding change: c.265_273delinsAATCTT on transcript NM_015450.3 (MANE Select); coding-DNA positions 265 to 273, TATAAAAAG replaced by AATCTT.
Protein change: p.Tyr89_Lys91delinsAsnLeu.
Molecular consequence: inframe indel. On other transcripts: 5 prime UTR variant (1), non-coding transcript variant (3).
Genome position (GRCh38, 1-based): chr7:124,863,623-124,863,631, CTTTTTATA replaced by AAGATT on the plus strand (TATAAAAAG replaced by AATCTT on the coding strand, the reverse complement: POT1 is on the minus strand). VCF-style: chr7-124863623-CTTTTTATA-AAGATT. GRCh37 (hg19) VCF-style: chr7-124503677-CTTTTTATA-AAGATT.
Other names: c.-129_-121delinsAATCTT (NM_001042594.2).
Identifiers: ClinVar variation 2577882 (VCV002577882.1), dbSNP rs2485481564, ClinGen allele CA2580617449.
Genomic context (GRCh38, chr7:124,863,623, plus strand): 5'-TCCCAAAGTTCCCTCAAACGTCAAAGATGCAAAGCCAGAGCTGGTGATACCCTGAGTCTC[CTTTTTATA>AAGATT]TACTTGAATCTAAGAAAGTAGGGCAAAGTAGAAAACAGATACAAATAAAATAGCTTACTG-3'

ClinVar aggregate classification (germline): Likely pathogenic (1 of 4 stars; one submission).

Conditions:
Tumor predisposition syndrome 3 (TPDS3). Also called: Glioma susceptibility 9; LONG TELOMERE SYNDROME, POT1-RELATED; POT1 Tumor Predisposition; Melanoma, cutaneous malignant, susceptibility to, 10. Identifiers: Orphanet 618, MedGen C4014476, MONDO:0014368, OMIM 615848.

Submission:

St. Jude Molecular Pathology, St. Jude Children's Research Hospital
Classification: Likely pathogenic for Tumor predisposition syndrome 3. Last evaluated: 2023-05-31. Review status: criteria provided, single submitter. Criteria: St. Jude Assertion Criteria 2020. Collection method: clinical testing. Allele origin: germline.
Comment: The POT1 c.265_273delinsAATCTT (p.Tyr89_Lys91delinsAsnLeu) change results from deletion of 9 nucleotides and insertion of 6 nucleotides to cause an in-frame substitution of Tyr-Lys-Lys with Asn-Leu. To our knowledge, functional studies have not been performed to determine the effect of this variant on protein function. This variant is absent in gnomAD v2.1.1. In summary, this variant meets criteria to be classified as likely pathogenic.